The following is an entry in ClinVar:

ClinVar aggregate classification (germline): Uncertain significance (1 of 4 stars; one submission).

Allele frequency attached by ClinVar (database versions not stated): gnomAD exomes below 0.00001.
gnomAD v4.1: 4 of 1,612,022 alleles (0.00025%); highest among the groups gnomAD compares: Non-Finnish European, 0.00025%; no homozygotes.

Submission:

CeGaT Center for Human Genetics Tuebingen
Classification: Uncertain significance. Last evaluated: 2024-01-01. Review status: criteria provided, single submitter. Criteria: CeGaT Center For Human Genetics Tuebingen Variant Classification Criteria Version 2. Collection method: clinical testing. Allele origin: germline. Affected: yes. Observed: 1 variant allele.
Comment: COL12A1: PM2

NM_004370.6(COL12A1):c.9109C>A (p.Pro3037Thr)

Gene: COL12A1 (collagen type XII alpha 1 chain; minus strand). Cytogenetic location: 6q13.
Variant type: single nucleotide variant.
Coding change: c.9109C>A on transcript NM_004370.6 (MANE Select); coding-DNA position 9109, C replaced by A.
Protein change: p.Pro3037Thr; replaces proline 3037 with threonine.
Molecular consequence: missense variant.
Genome position (GRCh38, 1-based): chr6:75,087,649, G>T on the plus strand (C>A on the coding strand, the complement: COL12A1 is on the minus strand). VCF-style: chr6-75087649-G-T. GRCh37 (hg19) VCF-style: chr6-75797365-G-T.
Other names: c.9109C>A, p.Pro3037Thr (NM_001424113.1); c.9088C>A, p.Pro3030Thr (NM_001424114.1); c.8836C>A, p.Pro2946Thr (NM_001424115.1); c.5617C>A, p.Pro1873Thr (NM_001424116.1, NM_080645.3); short protein forms P1873T, P2946T, P3030T, P3037T.
Identifiers: ClinVar variation 3025581 (VCV003025581.22), dbSNP rs201412621, ClinGen allele CA140995833.